The following is an entry in ClinVar:

ClinVar aggregate classification (germline): Uncertain significance (1 of 4 stars; one submission).

Allele frequency attached by ClinVar (database versions not stated): ExAC 0.00002; gnomAD 0.00002; gnomAD exomes 0.00002; TOPMed 0.00003; ESP Exome Variant Server 0.00008.

Submission:

Labcorp Genetics (formerly Invitae), Labcorp
Classification: Uncertain significance. Last evaluated: 2024-10-23. Review status: criteria provided, single submitter. Criteria: Invitae Variant Classification Sherloc (09022015). Collection method: clinical testing. Allele origin: germline.
Comment: This sequence change replaces alanine, which is neutral and non-polar, with threonine, which is neutral and polar, at codon 1368 of the CPLANE1 protein (p.Ala1368Thr). This variant is present in population databases (rs373443151, gnomAD 0.007%). This variant has not been reported in the literature in individuals affected with CPLANE1-related conditions. ClinVar contains an entry for this variant (Variation ID: 1470303). Invitae Evidence Modeling of protein sequence and biophysical properties (such as structural, functional, and spatial information, amino acid conservation, physicochemical variation, residue mobility, and thermodynamic stability) indicates that this missense variant is not expected to disrupt CPLANE1 protein function with a negative predictive value of 95%. In summary, the available evidence is currently insufficient to determine the role of this variant in disease. Therefore, it has been classified as a Variant of Uncertain Significance.

NM_001384732.1(CPLANE1):c.4102G>A (p.Ala1368Thr)

Gene: CPLANE1 (ciliogenesis and planar polarity effector complex subunit 1; minus strand). Cytogenetic location: 5p13.2.
Variant type: single nucleotide variant.
Coding change: c.4102G>A on transcript NM_001384732.1 (MANE Select); coding-DNA position 4102, G replaced by A.
Protein change: p.Ala1368Thr; replaces alanine 1368 with threonine.
Molecular consequence: missense variant.
Genome position (GRCh38, 1-based): chr5:37,186,373, C>T on the plus strand (G>A on the coding strand, the complement: CPLANE1 is on the minus strand). VCF-style: chr5-37186373-C-T. GRCh37 (hg19) VCF-style: chr5-37186475-C-T.
Other names: c.4102G>A, p.Ala1368Thr (NM_023073.4); short protein forms A1368T.
Identifiers: ClinVar variation 1470303 (VCV001470303.8), dbSNP rs373443151, ClinGen allele CA3238776.